The following is an entry in ClinVar:

NM_006516.4(SLC2A1):c.844del (p.Gln282fs)

Gene: SLC2A1 (solute carrier family 2 member 1; minus strand). Cytogenetic location: 1p34.2.
Variant type: Deletion.
Coding change: c.844del on transcript NM_006516.4 (MANE Select); coding-DNA position 844, one base deleted (C; older notation c.844delC).
Protein change: p.Gln282fs; shifts the reading frame from glutamine 282.
Molecular consequence: frameshift variant.
Genome position (GRCh38, 1-based): chr1:42,929,616, G deleted on the plus strand (C on the coding strand, the reverse complement: SLC2A1 is on the minus strand); the first of 3 consecutive G bases (chr1:42,929,616-42,929,618); deleting any one gives the same sequence. VCF-style (leftmost placement, unchanged base first): chr1-42929615-TG-T. GRCh37 (hg19) VCF-style: chr1-43395286-TG-T.
Other names: short protein forms Q282fs.
Identifiers: ClinVar variation 1414518 (VCV001414518.6), dbSNP rs2124448836, ClinGen allele CA2573132298.
Genomic context (GRCh38, chr1:42,929,615, plus strand): 5'-TTGGCTGGGGCACAGGAAGGGTGGGTGGGGGCACTCACAGCGTTGATGCCAGACAGCTGC[TG>T]GGACAGCTGCAGCACCACAGCGATGAGGATGGGCTGGCGGTAGGCGGGGGAGCGGAACAG-3'

ClinVar aggregate classification (germline): Pathogenic (1 of 4 stars; one submission).

Conditions:
GLUT1 deficiency syndrome 1, autosomal recessive. Identifiers: MedGen C3149117.

Submission:

Labcorp Genetics (formerly Invitae), Labcorp
Classification: Pathogenic for GLUT1 deficiency syndrome 1, autosomal recessive. Last evaluated: 2021-02-20. Review status: criteria provided, single submitter. Criteria: Invitae Variant Classification Sherloc (09022015). Collection method: clinical testing. Allele origin: germline.
Comment: This sequence change creates a premature translational stop signal (p.Gln282Serfs*58) in the SLC2A1 gene. It is expected to result in an absent or disrupted protein product. Loss-of-function variants in SLC2A1 are known to be pathogenic (PMID: 21832227, 26193382). This variant is not present in population databases (ExAC no frequency). This variant has not been reported in the literature in individuals with SLC2A1-related conditions. For these reasons, this variant has been classified as Pathogenic.

Literature cited by the submitters: PubMed 21832227; PubMed 26193382.